The following is an entry in ClinVar:

NM_007347.5(AP4E1):c.976T>A (p.Ser326Thr)

Gene: AP4E1 (adaptor related protein complex 4 subunit epsilon 1; plus strand). Cytogenetic location: 15q21.2.
Variant type: single nucleotide variant.
Coding change: c.976T>A on transcript NM_007347.5 (MANE Select); coding-DNA position 976, T replaced by A.
Protein change: p.Ser326Thr; replaces serine 326 with threonine.
Molecular consequence: missense variant.
Genome position (GRCh38, 1-based): chr15:50,941,474, T>A. VCF-style: chr15-50941474-T-A. GRCh37 (hg19) VCF-style: chr15-51233671-T-A.
Other names: c.751T>A, p.Ser251Thr (NM_001252127.2); short protein forms S326T, S251T.
Identifiers: ClinVar variation 2196601 (VCV002196601.1), dbSNP rs761348269, ClinGen allele CA7558940.

ClinVar aggregate classification (germline): Uncertain significance (1 of 4 stars; one submission).

Conditions:
Spastic paraplegia. Identifiers: MedGen C0037772, HP:0001258.

Allele frequency attached by ClinVar (database versions not stated): gnomAD exomes 0.00002; TOPMed 0.00002; ExAC 0.00003.
gnomAD v4.1: 13 of 1,613,146 alleles (0.00081%); highest among the groups gnomAD compares: Admixed American, 0.022%; no homozygotes.

Submission:

Labcorp Genetics (formerly Invitae), Labcorp
Classification: Uncertain significance for Spastic paraplegia. Last evaluated: 2022-03-23. Review status: criteria provided, single submitter. Criteria: Invitae Variant Classification Sherloc (09022015). Collection method: clinical testing. Allele origin: germline.
Comment: This sequence change replaces serine, which is neutral and polar, with threonine, which is neutral and polar, at codon 326 of the AP4E1 protein (p.Ser326Thr). This variant is present in population databases (rs761348269, gnomAD 0.04%). This variant has not been reported in the literature in individuals affected with AP4E1-related conditions. Algorithms developed to predict the effect of missense changes on protein structure and function output the following: SIFT: "Tolerated"; PolyPhen-2: "Benign"; Align-GVGD: "Class C0". The threonine amino acid residue is found in multiple mammalian species, which suggests that this missense change does not adversely affect protein function. In summary, the available evidence is currently insufficient to determine the role of this variant in disease. Therefore, it has been classified as a Variant of Uncertain Significance.